The following is an entry in ClinVar:

NM_000400.4(ERCC2):c.2190+61C>G

Gene: ERCC2 (ERCC excision repair 2, TFIIH core complex helicase subunit; minus strand). Cytogenetic location: 19q13.32.
Variant type: single nucleotide variant.
Coding change: c.2190+61C>G on transcript NM_000400.4 (MANE Select); 61 bases into the intron after coding-DNA position 2190, C replaced by G.
Molecular consequence: intron variant.
Genome position (GRCh38, 1-based): chr19:45,352,148, G>C on the plus strand (C>G on the coding strand, the complement: ERCC2 is on the minus strand). VCF-style: chr19-45352148-G-C. GRCh37 (hg19) VCF-style: chr19-45855406-G-C.
Identifiers: ClinVar variation 3390332 (VCV003390332.14).

ClinVar aggregate classification (germline): Likely benign (1 of 4 stars; one submission).

gnomAD v4.1: 7,204 of 1,587,714 alleles (0.45%); highest among the groups gnomAD compares: Non-Finnish European, 0.55%; 23 homozygotes.

Submission:

CeGaT Center for Human Genetics Tuebingen
Classification: Likely benign. Last evaluated: 2026-08-01. Review status: criteria provided, single submitter. Criteria: CeGaT Center For Human Genetics Tuebingen Variant Classification Criteria Version 2. Collection method: clinical testing. Allele origin: germline. Affected: yes. Observed: 25 variant alleles.
Comment: ERCC2: BS2